The following is an entry in ClinVar:

ClinVar aggregate classification (germline): Likely benign (1 of 4 stars; one submission).

Submission:

CeGaT Center for Human Genetics Tuebingen
Classification: Likely benign. Last evaluated: 2025-06-01. Review status: criteria provided, single submitter. Criteria: CeGaT Center For Human Genetics Tuebingen Variant Classification Criteria Version 2. Collection method: clinical testing. Allele origin: germline. Affected: yes. Observed: 1 variant allele.
Comment: WRN: PM2:Supporting, BP4, BP7

NM_000553.6(WRN):c.3285A>G (p.Pro1095=)

Gene: WRN (WRN RecQ like helicase; plus strand). Cytogenetic location: 8p12.
Variant type: single nucleotide variant.
Coding change: c.3285A>G on transcript NM_000553.6 (MANE Select); coding-DNA position 3285, A replaced by G.
Protein change: p.Pro1095=; no amino-acid change (proline 1095 retained).
Molecular consequence: synonymous variant.
Genome position (GRCh38, 1-based): chr8:31,142,677, A>G. VCF-style: chr8-31142677-A-G. GRCh37 (hg19) VCF-style: chr8-31000193-A-G.
Identifiers: ClinVar variation 4085319 (VCV004085319.8).